The following is an entry in ClinVar:

ClinVar aggregate classification (germline): Conflicting classifications of pathogenicity. Review status: criteria provided, conflicting classifications (1 of 4 stars). 3 submissions from 3 submitters: Uncertain significance (1); Likely benign (1). 1 of the submissions does not count toward it. Last evaluated 2025-08-18.

Conditions:
BBS7-related disorder. Also called: BBS7-related condition.
Bardet-Biedl syndrome (BBS). Identifiers: Orphanet 110, MedGen C0752166, MONDO:0015229.

Allele frequency attached by ClinVar (database versions not stated): gnomAD 0.00001 and 0.00002; ExAC 0.00002; TOPMed 0.00003; 1000 Genomes Project 30x 0.00031; 1000 Genomes Project 0.00040.
gnomAD v4.1: 18 of 1,613,396 alleles (0.0011%); highest among the groups gnomAD compares: East Asian, 0.025%; no homozygotes.

Submissions (3):

Labcorp Genetics (formerly Invitae), Labcorp
Classification: Likely benign for Bardet-Biedl syndrome. Last evaluated: 2025-08-18. Review status: criteria provided, single submitter. Criteria: Invitae Variant Classification Sherloc (09022015). Collection method: clinical testing. Allele origin: germline.

Eurofins Ntd Llc (ga)
Classification: Uncertain significance. Last evaluated: 2016-12-27. Review status: criteria provided, single submitter. Criteria: EGL Classification Definitions 2015. Collection method: clinical testing. Allele origin: germline. Observed: 1 variant allele, 1 heterozygote.

PreventionGenetics, part of Exact Sciences
Classification: Likely benign for BBS7-related condition. Last evaluated: 2024-01-08. Review status: no assertion criteria provided. Collection method: clinical testing. Allele origin: germline. Not counted in ClinVar's aggregate classification.
Comment: This variant is classified as likely benign based on ACMG/AMP sequence variant interpretation guidelines (Richards et al. 2015 PMID: 25741868, with internal and published modifications).

NM_176824.3(BBS7):c.189G>T (p.Gly63=)

Gene: BBS7 (Bardet-Biedl syndrome 7; minus strand). Cytogenetic location: 4q27.
Variant type: single nucleotide variant.
Coding change: c.189G>T on transcript NM_176824.3 (MANE Select); coding-DNA position 189, G replaced by T.
Protein change: p.Gly63=; no amino-acid change (glycine 63 retained).
Molecular consequence: synonymous variant.
Genome position (GRCh38, 1-based): chr4:121,861,656, C>A on the plus strand (G>T on the coding strand, the complement: BBS7 is on the minus strand). VCF-style: chr4-121861656-C-A. GRCh37 (hg19) VCF-style: chr4-122782811-C-A.
Other names: c.189G>T, p.Gly63= (NM_018190.4); c.189G>T (NM_176824.2).
Identifiers: ClinVar variation 498729 (VCV000498729.10), dbSNP rs541833400, ClinGen allele CA3064560.